The following is an entry in ClinVar:

ClinVar aggregate classification (germline): Likely benign. Review status: criteria provided, multiple submitters, no conflicts (2 of 4 stars). 4 submissions from 4 submitters: Likely benign (4). Last evaluated 2026-02-04.

Conditions:
Ehlers-Danlos syndrome, dermatosparaxis type. Also called: EDS VIIC; Ehlers-Danlos syndrome, type VII, autosomal recessive; Dermatosparaxis. Identifiers: Orphanet 1901, MedGen C2700425, MONDO:0009161, OMIM 225410.

Allele frequency attached by ClinVar (database versions not stated): ExAC 0.00015; gnomAD exomes 0.00018; 1000 Genomes Project 0.00020; TOPMed 0.00022; gnomAD 0.00026 and 0.00028; 1000 Genomes Project 30x 0.00031; ESP Exome Variant Server 0.00038.
gnomAD v4.1: 503 of 1,598,018 alleles (0.031%); highest among the groups gnomAD compares: Non-Finnish European, 0.036%; no homozygotes.

Submissions (4):

Labcorp Genetics (formerly Invitae), Labcorp
Classification: Likely benign for Ehlers-Danlos syndrome, dermatosparaxis type. Last evaluated: 2026-02-04. Review status: criteria provided, single submitter. Criteria: Invitae Variant Classification Sherloc (09022015). Collection method: clinical testing. Allele origin: germline.

Women's Health and Genetics/Laboratory Corporation of America, LabCorp
Classification: Likely benign. Last evaluated: 2024-12-03. Review status: criteria provided, single submitter. Criteria: LabCorp Variant Classification Summary - May 2015. Collection method: clinical testing. Allele origin: germline.

Blueprint Genetics
Classification: Likely benign. Last evaluated: 2024-11-04. Review status: criteria provided, single submitter. Criteria: ACMG Guidelines, 2015. Collection method: clinical testing. Allele origin: germline.

GeneDx
Classification: Likely benign. Last evaluated: 2017-06-01. Review status: criteria provided, single submitter. Criteria: GeneDx Variant Classification (06012015). Collection method: clinical testing. Allele origin: germline. Affected: yes.
Comment: This variant is considered likely benign or benign based on one or more of the following criteria: it is a conservative change, it occurs at a poorly conserved position in the protein, it is predicted to be benign by multiple in silico algorithms, and/or has population frequency not consistent with disease.

NM_014244.5(ADAMTS2):c.1383-15G>A

Gene: ADAMTS2 (ADAM metallopeptidase with thrombospondin type 1 motif 2; minus strand). Cytogenetic location: 5q35.3.
Variant type: single nucleotide variant.
Coding change: c.1383-15G>A on transcript NM_014244.5 (MANE Select); 15 bases into the intron before coding-DNA position 1383, G replaced by A.
Molecular consequence: intron variant.
Genome position (GRCh38, 1-based): chr5:179,153,638, C>T on the plus strand (G>A on the coding strand, the complement: ADAMTS2 is on the minus strand). VCF-style: chr5-179153638-C-T. GRCh37 (hg19) VCF-style: chr5-178580639-C-T.
Other names: c.1383-15G>A (NM_021599.4).
Identifiers: ClinVar variation 509804 (VCV000509804.11), dbSNP rs373540125, ClinGen allele CA3595930.
Genomic context (GRCh38, chr5:179,153,638, plus strand): 5'-CGGCCAGTCGTGGGCGAAGGGGTCATCCAGCAGGCAGTCATAGGAGCTGTGGGGGACACA[C>T]GGTGCCGCGAGCAGCCTTCAGCGCGGCTGACCATCCACAGCCCTGGAGGCAGCTGAGGCC-3'